The following is an entry in ClinVar:

ClinVar aggregate classification (germline): Uncertain significance (1 of 4 stars; one submission).

Conditions:
Hypertrophic cardiomyopathy 26. Also called: Cardiomyopathy, familial hypertrophic, 26. Identifiers: Orphanet 75249, MedGen C4310749, MONDO:0014883, OMIM 617047.
Myofibrillar myopathy 5. Also called: Filaminopathy (type); FILAMINOPATHY, AUTOSOMAL DOMINANT. Identifiers: Orphanet 171445, MedGen C1836050, MONDO:0012289, OMIM 609524.
Distal myopathy with posterior leg and anterior hand involvement. Also called: WILLIAMS DISTAL MYOPATHY. Identifiers: Orphanet 63273, MedGen C3279722, MONDO:0013550, OMIM 614065.

Submission:

Labcorp Genetics (formerly Invitae), Labcorp
Classification: Uncertain significance for Distal myopathy with posterior leg and anterior hand involvement; Myofibrillar myopathy 5; Hypertrophic cardiomyopathy 26. Last evaluated: 2021-08-19. Review status: criteria provided, single submitter. Criteria: Invitae Variant Classification Sherloc (09022015). Collection method: clinical testing. Allele origin: germline.
Comment: In summary, the available evidence is currently insufficient to determine the role of this variant in disease. Therefore, it has been classified as a Variant of Uncertain Significance. Experimental studies and prediction algorithms are not available or were not evaluated, and the functional significance of this variant is currently unknown. This variant has not been reported in the literature in individuals affected with FLNC-related conditions. The frequency data for this variant in the population databases is not available, as this variant may be reported as separate entries in the ExAC database. This sequence change replaces arginine with tryptophan at codon 1567 of the FLNC protein (p.Arg1567Trp). The arginine residue is highly conserved and there is a moderate physicochemical difference between arginine and tryptophan.

NM_001458.5(FLNC):c.4698_4699delinsTT (p.Arg1567Trp)

Gene: FLNC (filamin C; plus strand). Cytogenetic location: 7q32.1.
Variant type: Indel.
Coding change: c.4698_4699delinsTT on transcript NM_001458.5 (MANE Select); coding-DNA positions 4698 to 4699, AC replaced by TT.
Protein change: p.Arg1567Trp; replaces arginine 1567 with tryptophan.
Molecular consequence: missense variant.
Genome position (GRCh38, 1-based): chr7:128,848,678-128,848,679, AC replaced by TT. VCF-style: chr7-128848678-AC-TT. GRCh37 (hg19) VCF-style: chr7-128488732-AC-TT.
Other names: c.4698_4699delinsTT, p.Arg1567Trp (NM_001127487.2); short protein forms R1567W.
Identifiers: ClinVar variation 1504668 (VCV001504668.6), dbSNP rs2128937563, ClinGen allele CA2573141620.